The following is an entry in ClinVar:

ClinVar aggregate classification (germline): Uncertain significance. Review status: criteria provided, single submitter (1 of 4 stars). 2 submissions from 2 submitters: Uncertain significance (1). 1 of the submissions does not count toward it. Last evaluated 2023-01-29.

Conditions:
HNRNPDL-related disorder. Also called: HNRNPDL-related condition.
Autosomal dominant limb-girdle muscular dystrophy type 1G (LGMDD3). Also called: Limb-girdle muscular dystrophy, type 1G; MUSCULAR DYSTROPHY, LIMB-GIRDLE, AUTOSOMAL DOMINANT 3. Identifiers: Orphanet 55596, MedGen C1836765, MONDO:0012193, OMIM 609115.

Allele frequency attached by ClinVar (database versions not stated): gnomAD exomes below 0.00001; gnomAD 0.00001.
gnomAD v4.1: 2 of 1,366,042 alleles (0.00015%); highest among the groups gnomAD compares: Non-Finnish European, 0.00019%; no homozygotes.

Submissions (2):

Labcorp Genetics (formerly Invitae), Labcorp
Classification: Uncertain significance for Autosomal dominant limb-girdle muscular dystrophy type 1G. Last evaluated: 2023-01-29. Review status: criteria provided, single submitter. Criteria: Invitae Variant Classification Sherloc (09022015). Collection method: clinical testing. Allele origin: germline.
Comment: In summary, the available evidence is currently insufficient to determine the role of this variant in disease. Therefore, it has been classified as a Variant of Uncertain Significance. Algorithms developed to predict the effect of missense changes on protein structure and function are either unavailable or do not agree on the potential impact of this missense change (SIFT: "Deleterious"; PolyPhen-2: "Possibly Damaging"; Align-GVGD: "Class C0"). This variant has not been reported in the literature in individuals affected with HNRNPDL-related conditions. This variant is not present in population databases (gnomAD no frequency). This sequence change replaces proline, which is neutral and non-polar, with threonine, which is neutral and polar, at codon 11 of the HNRNPDL protein (p.Pro11Thr).

PreventionGenetics, part of Exact Sciences
Classification: Uncertain significance for HNRNPDL-related condition. Last evaluated: 2024-02-26. Review status: no assertion criteria provided. Collection method: clinical testing. Allele origin: germline. Not counted in ClinVar's aggregate classification.
Comment: The HNRNPDL c.31C>A variant is predicted to result in the amino acid substitution p.Pro11Thr. To our knowledge, this variant has not been reported in the literature or in a large population database, indicating this variant is rare. At this time, the clinical significance of this variant is uncertain due to the absence of conclusive functional and genetic evidence.

NM_031372.4(HNRNPDL):c.31C>A (p.Pro11Thr)

Gene: HNRNPDL (heterogeneous nuclear ribonucleoprotein D like; minus strand). Cytogenetic location: 4q21.22.
Variant type: single nucleotide variant.
Coding change: c.31C>A on transcript NM_031372.4 (MANE Select); coding-DNA position 31, C replaced by A.
Protein change: p.Pro11Thr; replaces proline 11 with threonine.
Molecular consequence: missense variant. On other transcripts: non-coding transcript variant (1).
Genome position (GRCh38, 1-based): chr4:82,429,660, G>T on the plus strand (C>A on the coding strand, the complement: HNRNPDL is on the minus strand). VCF-style: chr4-82429660-G-T. GRCh37 (hg19) VCF-style: chr4-83350813-G-T.
Other names: c.31C>A (NM_031372.3); c.31C>A, p.Pro11Thr (NM_001207000.1); short protein forms P11T.
Identifiers: ClinVar variation 2988639 (VCV002988639.5), dbSNP rs1721629302, ClinGen allele CA357174126.